The following is an entry in ClinVar:

NM_001365088.1(SLC12A6):c.1909G>T (p.Ala637Ser)

Gene: SLC12A6 (solute carrier family 12 member 6; minus strand). Cytogenetic location: 15q14.
Variant type: single nucleotide variant.
Coding change: c.1909G>T on transcript NM_001365088.1 (MANE Select); coding-DNA position 1909, G replaced by T.
Protein change: p.Ala637Ser; replaces alanine 637 with serine.
Molecular consequence: missense variant.
Genome position (GRCh38, 1-based): chr15:34,245,319, C>A on the plus strand (G>T on the coding strand, the complement: SLC12A6 is on the minus strand). VCF-style: chr15-34245319-C-A. GRCh37 (hg19) VCF-style: chr15-34537520-C-A.
Other names: c.1732G>T, p.Ala578Ser (NM_001042494.2, NM_001042495.2); c.1882G>T, p.Ala628Ser (NM_001042496.2); c.1864G>T, p.Ala622Ser (NM_001042497.2); c.1756G>T, p.Ala586Ser (NM_005135.2); c.1909G>T, p.Ala637Ser (NM_133647.2); short protein forms A578S, A622S, A628S, A586S, A637S.
Identifiers: ClinVar variation 1395126 (VCV001395126.6), dbSNP rs2140689487, ClinGen allele CA391620768.

ClinVar aggregate classification (germline): Uncertain significance (1 of 4 stars; one submission).

Submission:

Labcorp Genetics (formerly Invitae), Labcorp
Classification: Uncertain significance. Last evaluated: 2022-03-28. Review status: criteria provided, single submitter. Criteria: Invitae Variant Classification Sherloc (09022015). Collection method: clinical testing. Allele origin: germline.
Comment: This variant is not present in population databases (gnomAD no frequency). In summary, the available evidence is currently insufficient to determine the role of this variant in disease. Therefore, it has been classified as a Variant of Uncertain Significance. Algorithms developed to predict the effect of missense changes on protein structure and function are either unavailable or do not agree on the potential impact of this missense change (SIFT: "Tolerated"; PolyPhen-2: "Probably Damaging"; Align-GVGD: "Class C0"). This variant has not been reported in the literature in individuals affected with SLC12A6-related conditions. This sequence change replaces alanine, which is neutral and non-polar, with serine, which is neutral and polar, at codon 637 of the SLC12A6 protein (p.Ala637Ser).